The following is an entry in ClinVar:

NM_001077350.3(NPRL3):c.922C>T (p.Gln308Ter)

Genes: HBA-LCR (alpha-globin locus control region; plus strand), NPRL3 (NPR3 like, GATOR1 complex subunit; minus strand). Cytogenetic location: 16p13.3.
Variant type: single nucleotide variant.
Coding change: c.922C>T on transcript NM_001077350.3 (MANE Select); coding-DNA position 922, C replaced by T.
Protein change: p.Gln308Ter; replaces glutamine 308 with a stop codon.
Molecular consequence: nonsense.
Genome position (GRCh38, 1-based): chr16:98,147, G>A on the plus strand (C>T on the coding strand, the complement: NPRL3 is on the minus strand). VCF-style: chr16-98147-G-A. GRCh37 (hg19) VCF-style: chr16-148145-G-A.
Other names: c.385C>T, p.Gln129Ter (NM_001039476.3); c.688C>T, p.Gln230Ter (NM_001243247.2); c.847C>T, p.Gln283Ter (NM_001243248.2, NM_001243249.2); short protein forms Q129*, Q230*, Q283*, Q308*.
Identifiers: ClinVar variation 1325822 (VCV001325822.2), dbSNP rs2141920098, ClinGen allele CA394055035.

ClinVar aggregate classification (germline): Pathogenic. Review status: criteria provided, multiple submitters, no conflicts (2 of 4 stars). 2 submissions from 2 submitters: Pathogenic (2). Last evaluated 2024-03-25.

Conditions:
Epilepsy, familial focal, with variable foci 3 (FFEVF3). Identifiers: MedGen C4310708, MONDO:0014925, OMIM 617118.
Episodic kinesigenic dyskinesia 1 (EKD1). Also called: DYSTONIA, FAMILIAL PAROXYSMAL; PxMD-PRRT2; PAROXYSMAL KINESIGENIC CHOREOATHETOSIS; Dystonia 10; PRRT2-Related Paroxysmal Kinesigenic Dyskinesia (PKD). Identifiers: Orphanet 98809, MedGen C4552000, MONDO:0100352, OMIM 128200, MONDO:0007494.

Submissions (2):

Department of Human Genetics, Hannover Medical School
Classification: Pathogenic for Episodic kinesigenic dyskinesia 1. Last evaluated: 2024-03-25. Review status: criteria provided, single submitter. Criteria: ACMG Guidelines, 2015. Collection method: clinical testing. Allele origin: germline. Affected: yes.

Institute of Human Genetics, University of Leipzig Medical Center
Classification: Pathogenic for Epilepsy, familial focal, with variable foci 3. Last evaluated: 2021-10-08. Review status: criteria provided, single submitter. Criteria: ACMG Guidelines, 2015. Collection method: clinical testing. Allele origin: de novo. Affected: yes.
Comment: This variant was identified as de novo (maternity and paternity confirmed)._x000D_ Criteria applied: PVS1, PS2_MOD, PM2_SUP